The following is an entry in ClinVar:

NM_015158.5(KANK1):c.3870C>T (p.Pro1290=)

Gene: KANK1 (KN motif and ankyrin repeat domains 1; plus strand). Cytogenetic location: 9p24.3.
Variant type: single nucleotide variant.
Coding change: c.3870C>T on transcript NM_015158.5 (MANE Select); coding-DNA position 3870, C replaced by T.
Protein change: p.Pro1290=; no amino-acid change (proline 1290 retained).
Molecular consequence: synonymous variant. On other transcripts: non-coding transcript variant (1).
Genome position (GRCh38, 1-based): chr9:742,378, C>T. VCF-style: chr9-742378-C-T. GRCh37 (hg19) VCF-style: chr9-742378-C-T.
Other names: c.3870C>T, p.Pro1290= (NM_001256876.3, NM_001256877.3, NM_001354334.2); c.3630C>T, p.Pro1210= (NM_001354331.2); c.3816C>T, p.Pro1272= (NM_001354332.2); c.3396C>T, p.Pro1132= (NM_001354333.2, NM_001354335.2, NM_001354337.2 and 2 more transcripts); c.3102C>T, p.Pro1034= (NM_001354336.2); c.3342C>T, p.Pro1114= (NM_001354338.2, NM_001354340.2, NM_001354344.2); c.3156C>T, p.Pro1052= (NM_001354339.2, NM_001354342.2, NM_001354343.2).
Identifiers: ClinVar variation 716537 (VCV000716537.19), dbSNP rs115758363, ClinGen allele CA4961205.
Genomic context (GRCh38, chr9:742,378, plus strand): 5'-CCTCATGTGTGCCAGCGAGCACGGACACGTGGAGATTGTCAAGCTGCTGCTGGCCCAGCC[C>T]GGCTGCAACGGTCACCTAGAGGACAACGTAAGCTGTCTCCATTGGGCCTCCTGGCCAGGG-3'
Protein context (NP_055973.2, residues 1280-1300): VEIVKLLLAQ[Pro1290=]GCNGHLEDND

ClinVar aggregate classification (germline): Benign/Likely benign. Review status: criteria provided, multiple submitters, no conflicts (2 of 4 stars). 4 submissions from 4 submitters: Benign (2); Likely benign (2). Last evaluated 2026-01-21.

Conditions:
Cerebral palsy, spastic quadriplegic, 2 (CPSQ2). Identifiers: Orphanet 210141, MedGen C2752061, MONDO:0013033, OMIM 612900.

Allele frequency attached by ClinVar (database versions not stated): ESP Exome Variant Server 0.00008; gnomAD 0.00053 and 0.00058; ExAC 0.00068; TOPMed 0.00068; 1000 Genomes Project 30x 0.00297; 1000 Genomes Project 0.00319.
gnomAD v4.1: 452 of 1,613,772 alleles (0.028%); highest among the groups gnomAD compares: East Asian, 0.55%; 5 homozygotes.

Submissions (4):

Labcorp Genetics (formerly Invitae), Labcorp
Classification: Benign. Last evaluated: 2026-01-21. Review status: criteria provided, single submitter. Criteria: Invitae Variant Classification Sherloc (09022015). Collection method: clinical testing. Allele origin: germline.

CeGaT Center for Human Genetics Tuebingen
Classification: Likely benign. Last evaluated: 2025-06-01. Review status: criteria provided, single submitter. Criteria: CeGaT Center For Human Genetics Tuebingen Variant Classification Criteria Version 2. Collection method: clinical testing. Allele origin: germline. Affected: yes. Observed: 1 variant allele.
Comment: KANK1: BP4, BP7

Blueprint Genetics
Classification: Likely benign. Last evaluated: 2024-11-26. Review status: criteria provided, single submitter. Criteria: ACMG Guidelines, 2015. Collection method: clinical testing. Allele origin: germline.

Fulgent Genetics
Classification: Benign for Cerebral palsy, spastic quadriplegic, 2. Last evaluated: 2021-08-19. Review status: criteria provided, single submitter. Criteria: ACMG Guidelines, 2015. Collection method: clinical testing. Allele origin: unknown.